The following is an entry in ClinVar:

ClinVar aggregate classification (germline): Pathogenic/Likely pathogenic. Review status: criteria provided, multiple submitters, no conflicts (2 of 4 stars). 3 submissions from 3 submitters: Pathogenic (1); Likely pathogenic (2). Last evaluated 2022-06-27.

Conditions:
Retinitis pigmentosa 1 (RP1). Identifiers: Orphanet 791, MedGen C0220701, MONDO:0008377, OMIM 180100.
RP1-related disorder. Also called: RP1-related condition.

Submissions (3):

Labcorp Genetics (formerly Invitae), Labcorp
Classification: Pathogenic. Last evaluated: 2022-06-27. Review status: criteria provided, single submitter. Criteria: Invitae Variant Classification Sherloc (09022015). Collection method: clinical testing. Allele origin: germline.
Comment: For these reasons, this variant has been classified as Pathogenic. This variant disrupts the C-terminus of the RP1 protein. Many variants that disrupt this region have been reported in individuals with either autosomal dominant or autosomal recessive retinitis pigmentosa (PMID: 11527933, 19933189, 29425069, 30027431, 33681214). Therefore, variants that disrupt this region are expected to be disease-causing. ClinVar contains an entry for this variant (Variation ID: 1172726). This premature translational stop signal has been observed in individual(s) with clinical features of retinitis pigmentosa (Invitae). This variant is not present in population databases (gnomAD no frequency). This sequence change creates a premature translational stop signal (p.Gly1570Glufs*10) in the RP1 gene. While this is not anticipated to result in nonsense mediated decay, it is expected to disrupt the last 587 amino acid(s) of the RP1 protein.

Blueprint Genetics
Classification: Likely pathogenic for RP1-related disorders. Last evaluated: 2021-09-28. Review status: criteria provided, single submitter. Criteria: ACMG Guidelines, 2015. Collection method: clinical testing. Allele origin: germline. Affected: yes. Observed: 1 variant allele.

DBGen Ocular Genomics
Classification: Likely pathogenic for Retinitis pigmentosa 1. Last evaluated: 2021-05-25. Review status: criteria provided, single submitter. Criteria: ACMG Guidelines, 2015. Collection method: clinical testing. Allele origin: germline. Affected: yes. Observed: 1 variant allele.

Literature cited by the submitters: PubMed 11527933 (cited by Labcorp Genetics (formerly Invitae), Labcorp); PubMed 19933189 (cited by Labcorp Genetics (formerly Invitae), Labcorp); PubMed 29425069 (cited by Labcorp Genetics (formerly Invitae), Labcorp); PubMed 30027431 (cited by Labcorp Genetics (formerly Invitae), Labcorp); PubMed 33681214 (cited by Labcorp Genetics (formerly Invitae), Labcorp).

NM_006269.2(RP1):c.4709del (p.Gly1570fs)

Gene: RP1 (RP1 axonemal microtubule associated; plus strand). Cytogenetic location: 8q12.1.
Variant type: Deletion.
Coding change: c.4709del on transcript NM_006269.2 (MANE Select); coding-DNA position 4709, one base deleted (G; older notation c.4709delG).
Protein change: p.Gly1570fs; shifts the reading frame from glycine 1570.
Molecular consequence: frameshift variant. On other transcripts: intron variant (1).
Genome position (GRCh38, 1-based): chr8:54,628,591, G deleted; the last of 2 consecutive G bases (chr8:54,628,590-54,628,591); deleting either gives the same sequence. VCF-style (leftmost placement, unchanged base first): chr8-54628589-TG-T. GRCh37 (hg19) VCF-style: chr8-55541149-TG-T.
Other names: c.787+6303del (NM_001375654.1); short protein forms G1570fs.
Identifiers: ClinVar variation 1172726 (VCV001172726.9), dbSNP rs2129317773, ClinGen allele CA2499219353.